The following is an entry in ClinVar:

ClinVar aggregate classification (germline): Uncertain significance (1 of 4 stars; one submission).

Conditions:
Inborn genetic diseases. Identifiers: MedGen C0950123, MeSH D030342.

gnomAD v4.1: 1 of 1,611,048 alleles (0.000062%); highest among the groups gnomAD compares: Non-Finnish European, 0.000085%; no homozygotes.

Submission:

Ambry Genetics
Classification: Uncertain significance for Inborn genetic diseases. Last evaluated: 2022-10-03. Review status: criteria provided, single submitter. Criteria: Ambry Variant Classification Scheme 2023. Collection method: clinical testing. Allele origin: germline.
Comment: The p.R150G variant (also known as c.448C>G), located in coding exon 5 of the RAD51 gene, results from a C to G substitution at nucleotide position 448. The arginine at codon 150 is replaced by glycine, an amino acid with dissimilar properties. This amino acid position is conserved. In addition, this alteration is predicted to be tolerated by in silico analysis. Since supporting evidence is limited at this time, the clinical significance of this alteration remains unclear.

NM_002875.5(RAD51):c.448C>G (p.Arg150Gly)

Gene: RAD51 (RAD51 recombinase; plus strand). Cytogenetic location: 15q15.1.
Variant type: single nucleotide variant.
Coding change: c.448C>G on transcript NM_002875.5 (MANE Select); coding-DNA position 448, C replaced by G.
Protein change: p.Arg150Gly; replaces arginine 150 with glycine.
Molecular consequence: missense variant.
Genome position (GRCh38, 1-based): chr15:40,718,817, C>G. VCF-style: chr15-40718817-C-G. GRCh37 (hg19) VCF-style: chr15-41011015-C-G.
Other names: c.451C>G, p.Arg151Gly (NM_001164269.2, NM_133487.4); c.448C>G, p.Arg150Gly (NM_001164270.2); short protein forms R150G, R151G.
Identifiers: ClinVar variation 1740948 (VCV001740948.2), dbSNP rs1359302940, ClinGen allele CA391753269.